The following is an entry in ClinVar:

NM_207421.4(PADI6):c.264A>G (p.Thr88=)

Gene: PADI6 (peptidyl arginine deiminase 6; plus strand). Cytogenetic location: 1p36.13.
Variant type: single nucleotide variant.
Coding change: c.264A>G on transcript NM_207421.4 (MANE Select); coding-DNA position 264, A replaced by G.
Protein change: p.Thr88=; no amino-acid change (threonine 88 retained).
Molecular consequence: synonymous variant.
Genome position (GRCh38, 1-based): chr1:17,373,203, A>G. VCF-style: chr1-17373203-A-G. GRCh37 (hg19) VCF-style: chr1-17699698-A-G.
Identifiers: ClinVar variation 3033044 (VCV003033044.2), dbSNP rs763257471, ClinGen allele CA641249.

ClinVar aggregate classification (germline): Likely benign (0 of 4 stars; one submission).

Conditions:
PADI6-related disorder. Also called: PADI6-related condition.

Allele frequency attached by ClinVar (database versions not stated): ExAC 0.00001; gnomAD 0.00003; TOPMed 0.00004; gnomAD exomes 0.00008.
gnomAD v4.1: 121 of 1,613,868 alleles (0.0075%); highest among the groups gnomAD compares: Non-Finnish European, 0.0099%; no homozygotes.

Submission:

PreventionGenetics, part of Exact Sciences
Classification: Likely benign for PADI6-related condition. Last evaluated: 2020-10-27. Review status: no assertion criteria provided. Collection method: clinical testing. Allele origin: germline.
Comment: This variant is classified as likely benign based on ACMG/AMP sequence variant interpretation guidelines (Richards et al. 2015 PMID: 25741868, with internal and published modifications).